The following is an entry in ClinVar:

NM_006005.3(WFS1):c.2080_2105del (p.Glu694fs)

Gene: WFS1 (wolframin ER transmembrane glycoprotein; plus strand). Cytogenetic location: 4p16.1.
Variant type: Deletion.
Coding change: c.2080_2105del on transcript NM_006005.3 (MANE Select); coding-DNA positions 2080 to 2105, 26 bases deleted (GAGGGCCACAGGGTCACGTGGACCGG).
Protein change: p.Glu694fs; shifts the reading frame from glutamic acid 694.
Molecular consequence: frameshift variant.
Genome position (GRCh38, 1-based): chr4:6,301,875-6,301,900, GAGGGCCACAGGGTCACGTGGACCGG deleted; deleting any 26 consecutive bases within chr4:6,301,874-6,301,900 gives the same sequence; the c. name uses the placement nearest the transcript's 3' end. VCF-style (leftmost placement, unchanged base first): chr4-6301873-TGGAGGGCCACAGGGTCACGTGGACCG-T. GRCh37 (hg19) VCF-style: chr4-6303600-TGGAGGGCCACAGGGTCACGTGGACCG-T.
Other names: c.2080_2105del, p.Glu694fs (NM_001145853.1); short protein forms E694fs.
Identifiers: ClinVar variation 2892325 (VCV002892325.3), dbSNP rs2474195882, ClinGen allele CA2739270016.

ClinVar aggregate classification (germline): Pathogenic (1 of 4 stars; one submission).

Submission:

Labcorp Genetics (formerly Invitae), Labcorp
Classification: Pathogenic. Last evaluated: 2023-10-05. Review status: criteria provided, single submitter. Criteria: Invitae Variant Classification Sherloc (09022015). Collection method: clinical testing. Allele origin: germline.
Comment: This sequence change creates a premature translational stop signal (p.Glu694Profs*9) in the WFS1 gene. While this is not anticipated to result in nonsense mediated decay, it is expected to disrupt the last 197 amino acid(s) of the WFS1 protein. This variant is not present in population databases (gnomAD no frequency). This variant has not been reported in the literature in individuals affected with WFS1-related conditions. This variant disrupts a region of the WFS1 protein in which other variant(s) (p.Pro885Leu) have been determined to be pathogenic (PMID: 10521293, 16806192, 28432734). This suggests that this is a clinically significant region of the protein, and that variants that disrupt it are likely to be disease-causing. For these reasons, this variant has been classified as Pathogenic.

Literature cited by the submitters: PubMed 10521293; PubMed 16806192; PubMed 28432734.